The following is an entry in ClinVar:

ClinVar aggregate classification (germline): Uncertain significance (1 of 4 stars; one submission).

Submission:

Labcorp Genetics (formerly Invitae), Labcorp
Classification: Uncertain significance. Last evaluated: 2023-06-15. Review status: criteria provided, single submitter. Criteria: Invitae Variant Classification Sherloc (09022015). Collection method: clinical testing. Allele origin: germline.
Comment: An algorithm developed to predict the effect of missense changes on protein structure and function (PolyPhen-2) suggests that this variant is likely to be disruptive. ClinVar contains an entry for this variant (Variation ID: 1683044). This variant has not been reported in the literature in individuals affected with MKL1-related conditions. This variant is not present in population databases (gnomAD no frequency). This sequence change replaces threonine, which is neutral and polar, with serine, which is neutral and polar, at codon 488 of the MKL1 protein (p.Thr488Ser). In summary, the available evidence is currently insufficient to determine the role of this variant in disease. Therefore, it has been classified as a Variant of Uncertain Significance.

NM_020831.6(MRTFA):c.1762A>T (p.Thr588Ser)

Gene: MRTFA (myocardin related transcription factor A; minus strand). Cytogenetic location: 22q13.1.
Variant type: single nucleotide variant.
Coding change: c.1762A>T on transcript NM_020831.6 (MANE Select); coding-DNA position 1762, A replaced by T.
Protein change: p.Thr588Ser; replaces threonine 588 with serine.
Molecular consequence: missense variant.
Genome position (GRCh38, 1-based): chr22:40,418,976, T>A on the plus strand (A>T on the coding strand, the complement: MRTFA is on the minus strand). VCF-style: chr22-40418976-T-A. GRCh37 (hg19) VCF-style: chr22-40814980-T-A.
Other names: c.1567A>T, p.Thr523Ser (NM_001318139.2); c.1462A>T, p.Thr488Ser (NM_001282660.2); c.1612A>T, p.Thr538Ser (NM_001282661.3); c.1762A>T, p.Thr588Ser (NM_001282662.3); short protein forms T488S, T523S, T538S, T588S.
Identifiers: ClinVar variation 1683044 (VCV001683044.8), dbSNP rs2147068386, ClinGen allele CA411660597.